The following is an entry in ClinVar:

ClinVar aggregate classification (germline): Likely pathogenic (1 of 4 stars; one submission).

Conditions:
Autosomal dominant intellectual disability-craniofacial anomalies-cardiac defects syndrome (ARTHS). Also called: Arboleda-Tham syndrome; KAT6A syndrome; Mental retardation, autosomal dominant 32. Identifiers: Orphanet 457193, MedGen C4225396, MONDO:0014558, OMIM 616268.

Submission:

Victorian Clinical Genetics Services, Murdoch Childrens Research Institute
Classification: Likely pathogenic for Autosomal dominant intellectual disability-craniofacial anomalies-cardiac defects syndrome. Last evaluated: 2024-09-22. Review status: criteria provided, single submitter. Criteria: ACMG Guidelines, 2015. Collection method: clinical testing. Allele origin: germline. Inheritance: Autosomal dominant inheritance. Affected: yes.
Comment: Based on the classification scheme VCGS_Germline_v1.3.4, this variant is classified as Likely pathogenic. Following criteria are met: 0102 - Loss of function is a known mechanism of disease in this gene and is associated with Arboleda-Tham syndrome (MIM#616268). (I) 0107 - This gene is associated with autosomal dominant disease. (I) 0200 - Variant is predicted to result in a missense amino acid change from leucine to serine. (I) 0251 - This variant is heterozygous. (I) 0301 - Variant is absent from gnomAD (both v2 and v3). (SP) 0501 - Missense variant consistently predicted to be damaging by multiple in silico tools or highly conserved with a major amino acid change. (SP) 0604 - Variant is not located in an established domain, motif, hotspot or informative constraint region. (I) 0705 - No comparable missense variants have previous evidence for pathogenicity. (I) 0807 - This variant has no previous evidence of pathogenicity. (I) 0905 - No published segregation evidence has been identified for this variant. (I) 1007 - No published functional evidence has been identified for this variant. (SP) Legend: (SP) - Supporting pathogenic, (I) - Information, (SB) - Supporting benign

NM_006766.5(KAT6A):c.152T>C (p.Leu51Ser)

Gene: KAT6A (lysine acetyltransferase 6A; minus strand). Cytogenetic location: 8p11.21.
Variant type: single nucleotide variant.
Coding change: c.152T>C on transcript NM_006766.5 (MANE Select); coding-DNA position 152, T replaced by C.
Protein change: p.Leu51Ser; replaces leucine 51 with serine.
Molecular consequence: missense variant.
Genome position (GRCh38, 1-based): chr8:42,048,826, A>G on the plus strand (T>C on the coding strand, the complement: KAT6A is on the minus strand). VCF-style: chr8-42048826-A-G. GRCh37 (hg19) VCF-style: chr8-41906344-A-G.
Other names: c.152T>C, p.Leu51Ser (NM_001305878.2); short protein forms L51S.
Identifiers: ClinVar variation 3255009 (VCV003255009.2), dbSNP rs2487062128.
Genomic context (GRCh38, chr8:42,048,826, plus strand): 5'-TAGGAATTGAGTCCTTTATTTGAGACTTTTAAAATTGTTCCATCTTTAACACTCAACTCC[A>G]ATTGTTCTAAAACAGTTTTACGATCCAAGCCATGGGATGAAGACACAGCATTGCATATCC-3'
Protein context (NP_006757.2, residues 41-61): GLDRKTVLEQ[Leu51Ser]ELSVKDGTIL